The following is an entry in ClinVar:

NM_000265.7(NCF1):c.682+5C>T

Genes: NCF1 (neutrophil cytosolic factor 1; plus strand), LOC106029312 (Williams-Beuren syndrome medial block B recombination region; plus strand). Cytogenetic location: 7q11.23.
Variant type: single nucleotide variant.
Coding change: c.682+5C>T on transcript NM_000265.7 (MANE Select); 5 bases into the intron after coding-DNA position 682, C replaced by T.
Molecular consequence: intron variant.
Genome position (GRCh38, 1-based): chr7:74,783,637, C>T. VCF-style: chr7-74783637-C-T. GRCh37 (hg19) VCF-style: chr7-74197980-C-T.
Identifiers: ClinVar variation 3235028 (VCV003235028.1), dbSNP rs782219576, ClinGen allele CA4298239.

ClinVar aggregate classification (germline): Uncertain significance (1 of 4 stars; one submission).

Conditions:
Granulomatous disease, chronic, autosomal recessive, cytochrome b-positive, type 1. Also called: CGD, AUTOSOMAL RECESSIVE CYTOCHROME b-POSITIVE, TYPE I; GRANULOMATOUS DISEASE, CHRONIC, DUE TO NCF1 DEFICIENCY; Chronic granulomatous disease 1, autosomal recessive; Chronic granulomatous disease due to deficiency of NCF-1; Chronic Granulomatous Disease, Autosomal Recessive, Cytochrome b-Positive, Type I. Identifiers: Orphanet 379, MedGen C1856251, MONDO:0009309, OMIM 233700.

Allele frequency attached by ClinVar (database versions not stated): ExAC 0.00017.

Submission:

Neuberg Centre For Genomic Medicine, NCGM
Classification: Uncertain significance for Granulomatous disease, chronic, autosomal recessive, cytochrome b-positive, type 1. Review status: criteria provided, single submitter. Criteria: ACMG Guidelines, 2015. Collection method: clinical testing. Allele origin: germline. Inheritance: Autosomal recessive inheritance. Affected: yes.
Comment: The splicesite variant c.682+5C>T in NCF1 gene has not been reported previously as a pathogenic variant nor as a benign variant, to our knowledge. The variant has 0.001% allele frequency in gnomAD Exomes and is novel not in any individuals in 1000 Genomes. This splice region variant in intron 7 affects the position five nucleotides downstream of exon 7. For these reasons, this variant has been classified as Uncertain Significance. In the absence of another reportable variant, the molecular diagnosis is not confirmed.